The following is an entry in ClinVar:

NM_014225.6(PPP2R1A):c.1547T>C (p.Ile516Thr)

Genes: PPP2R1A (protein phosphatase 2 scaffold subunit Aalpha; plus strand), LOC126862924 (BRD4-independent group 4 enhancer GRCh37_chr19:52724813-52726012; plus strand). Cytogenetic location: 19q13.41.
Variant type: single nucleotide variant.
Coding change: c.1547T>C on transcript NM_014225.6 (MANE Select); coding-DNA position 1547, T replaced by C.
Protein change: p.Ile516Thr; replaces isoleucine 516 with threonine.
Molecular consequence: missense variant. On other transcripts: non-coding transcript variant (1).
Genome position (GRCh38, 1-based): chr19:52,222,127, T>C. VCF-style: chr19-52222127-T-C. GRCh37 (hg19) VCF-style: chr19-52725380-T-C.
Other names: c.1010T>C, p.Ile337Thr (NM_001363656.2); c.1547T>C (NM_014225.5); short protein forms I337T, I516T.
Identifiers: ClinVar variation 1935092 (VCV001935092.6), dbSNP rs778543586, ClinGen allele CA9621635.

ClinVar aggregate classification (germline): Conflicting classifications of pathogenicity. Review status: criteria provided, conflicting classifications (1 of 4 stars). 2 submissions from 2 submitters: Uncertain significance (1); Benign (1). Last evaluated 2025-10-08.

Allele frequency attached by ClinVar (database versions not stated): ExAC 0.00001; gnomAD 0.00001; TOPMed 0.00001; gnomAD exomes 0.00002.
gnomAD v4.1: 28 of 1,613,570 alleles (0.0017%); highest among the groups gnomAD compares: Non-Finnish European, 0.0023%; no homozygotes.

Submissions (2):

Labcorp Genetics (formerly Invitae), Labcorp
Classification: Benign. Last evaluated: 2025-10-08. Review status: criteria provided, single submitter. Criteria: Invitae Variant Classification Sherloc (09022015). Collection method: clinical testing. Allele origin: germline.

Women's Health and Genetics/Laboratory Corporation of America, LabCorp
Classification: Uncertain significance. Last evaluated: 2023-03-15. Review status: criteria provided, single submitter. Criteria: LabCorp Variant Classification Summary - May 2015. Collection method: clinical testing. Allele origin: germline.
Comment: Variant summary: PPP2R1A c.1547T>C (p.Ile516Thr) results in a non-conservative amino acid change in the encoded protein sequence. Three of five in-silico tools predict a benign effect of the variant on protein function. The variant allele was found at a frequency of 2.4e-05 in 249912 control chromosomes. The available data on variant occurrences in the general population are insufficient to allow any conclusion about variant significance. To our knowledge, no occurrence of c.1547T>C in individuals affected with Mental Retardation, Autosomal Dominant 36 and no experimental evidence demonstrating its impact on protein function have been reported. One clinical diagnostic laboratory has submitted clinical-significance assessments for this variant to ClinVar after 2014 and classified the variant as uncertain significance. Based on the evidence outlined above, the variant was classified as uncertain significance.